The following is an entry in ClinVar:

NM_002334.4(LRP4):c.4071C>T (p.Leu1357=)

Gene: LRP4 (LDL receptor related protein 4; minus strand). Cytogenetic location: 11p11.2.
Variant type: single nucleotide variant.
Coding change: c.4071C>T on transcript NM_002334.4 (MANE Select); coding-DNA position 4071, C replaced by T.
Protein change: p.Leu1357=; no amino-acid change (leucine 1357 retained).
Molecular consequence: synonymous variant.
Genome position (GRCh38, 1-based): chr11:46,874,958, G>A on the plus strand (C>T on the coding strand, the complement: LRP4 is on the minus strand). VCF-style: chr11-46874958-G-A. GRCh37 (hg19) VCF-style: chr11-46896509-G-A.
Identifiers: ClinVar variation 3051520 (VCV003051520.2), dbSNP rs2539727553, ClinGen allele CA474044718.
Genomic context (GRCh38, chr11:46,874,958, plus strand): 5'-CACATCGGTGTGGTCACTGGTGTCCAGTGAGATACGCCGGATGGAGCCACGGCTGGAGAA[G>A]AGCAGGTAGGTCTCAGGAGAGGGATCACAGGTCTTCCCATCTCCCTTCAGCTGGATGCCA-3'
Protein context (NP_002325.2, residues 1347-1367): TCDPSPETYL[Leu1357=]FSSRGSIRRI

ClinVar aggregate classification (germline): Likely benign (0 of 4 stars; one submission).

Conditions:
LRP4-related disorder. Also called: LRP4-related condition.

Submission:

PreventionGenetics, part of Exact Sciences
Classification: Likely benign for LRP4-related condition. Last evaluated: 2023-03-22. Review status: no assertion criteria provided. Collection method: clinical testing. Allele origin: germline.
Comment: This variant is classified as likely benign based on ACMG/AMP sequence variant interpretation guidelines (Richards et al. 2015 PMID: 25741868, with internal and published modifications).